The following is an entry in ClinVar:

NM_005045.4(RELN):c.6541A>C (p.Arg2181=)

Gene: RELN (reelin; minus strand). Cytogenetic location: 7q22.1.
Variant type: single nucleotide variant.
Coding change: c.6541A>C on transcript NM_005045.4 (MANE Select); coding-DNA position 6541, A replaced by C.
Protein change: p.Arg2181=; no amino-acid change (arginine 2181 retained).
Molecular consequence: synonymous variant.
Genome position (GRCh38, 1-based): chr7:103,542,861, T>G on the plus strand (A>C on the coding strand, the complement: RELN is on the minus strand). VCF-style: chr7-103542861-T-G. GRCh37 (hg19) VCF-style: chr7-103183308-T-G.
Other names: c.6541A>C, p.Arg2181= (NM_173054.3).
Identifiers: ClinVar variation 2032756 (VCV002032756.18), dbSNP rs780855346, ClinGen allele CA4420935.

ClinVar aggregate classification (germline): Benign/Likely benign. Review status: criteria provided, multiple submitters, no conflicts (2 of 4 stars). 2 submissions from 2 submitters: Benign (1); Likely benign (1). Last evaluated 2024-09-01.

Conditions:
Norman-Roberts syndrome (LIS2). Also called: Lissencephaly 2 (Norman-Roberts type). Identifiers: Orphanet 89844, MedGen C0796089, MONDO:0009760, OMIM 257320.
Familial temporal lobe epilepsy 7. Identifiers: Orphanet 101046, MedGen C4225327, MONDO:0014639, OMIM 616436.

Allele frequency attached by ClinVar (database versions not stated): ExAC 0.00001; gnomAD exomes 0.00001.
gnomAD v4.1: 4 of 1,614,170 alleles (0.00025%); highest among the groups gnomAD compares: East Asian, 0.0089%; no homozygotes.

Submissions (2):

CeGaT Center for Human Genetics Tuebingen
Classification: Likely benign. Last evaluated: 2024-09-01. Review status: criteria provided, single submitter. Criteria: CeGaT Center For Human Genetics Tuebingen Variant Classification Criteria Version 2. Collection method: clinical testing. Allele origin: germline. Affected: yes. Observed: 1 variant allele.
Comment: RELN: BP4, BP7

Labcorp Genetics (formerly Invitae), Labcorp
Classification: Benign for Familial temporal lobe epilepsy 7; Norman-Roberts syndrome. Last evaluated: 2022-09-27. Review status: criteria provided, single submitter. Criteria: Invitae Variant Classification Sherloc (09022015). Collection method: clinical testing. Allele origin: germline.